The following is an entry in ClinVar:

NM_144672.4(OTOA):c.120+10C>G

Gene: OTOA (otoancorin). Cytogenetic location: 16p12.2.
Variant type: single nucleotide variant.
Coding change: c.120+10C>G on transcript NM_144672.4 (MANE Select); 10 bases into the intron after coding-DNA position 120, C replaced by G.
Molecular consequence: intron variant.
Genome position (GRCh38, 1-based): chr16:21,678,953, C>G. VCF-style: chr16-21678953-C-G. GRCh37 (hg19) VCF-style: chr16-21690274-C-G.
Identifiers: ClinVar variation 164816 (VCV000164816.13), dbSNP rs200215069, ClinGen allele CA177522.
Genomic context (GRCh38, chr16:21,678,953, plus strand): 5'-ACATTCAATGGCTTTCTTACAGATTTGCATCCATTGTTGCAAAACATGGCGGTGAGTATT[C>G]TATTTTCTGTTAATCAGAGTCCCCTCTACTGGAATTGCCAACTTTTGGTTGTTATACTTG-3'

ClinVar aggregate classification (germline): Benign/Likely benign. Review status: criteria provided, multiple submitters, no conflicts (2 of 4 stars). 3 submissions from 3 submitters: Benign (1); Likely benign (2). Last evaluated 2026-01-28.

Conditions:
OTOA-related disorder. Also called: OTOA-related condition.

Allele frequency attached by ClinVar (database versions not stated): TOPMed 0.00029; gnomAD exomes 0.00036 and 0.00050; gnomAD 0.00042 and 0.00046; ExAC 0.00044; ESP Exome Variant Server 0.00046.
gnomAD v4.1: 795 of 1,613,574 alleles (0.049%); highest among the groups gnomAD compares: Non-Finnish European, 0.062%; 2 homozygotes.

Submissions (3):

Labcorp Genetics (formerly Invitae), Labcorp
Classification: Benign. Last evaluated: 2026-01-28. Review status: criteria provided, single submitter. Criteria: Invitae Variant Classification Sherloc (09022015). Collection method: clinical testing. Allele origin: germline.

PreventionGenetics, part of Exact Sciences
Classification: Likely benign for OTOA-related condition. Last evaluated: 2025-08-07. Review status: criteria provided, single submitter. Criteria: ACMG Guidelines, 2015. Collection method: clinical testing. Allele origin: germline.
Comment: This variant is classified as likely benign based on ACMG/AMP sequence variant interpretation guidelines (Richards et al. 2015 PMID: 25741868, with internal and published modifications).

Laboratory for Molecular Medicine, Mass General Brigham Personalized Medicine
Classification: Likely benign. Last evaluated: 2012-04-30. Review status: criteria provided, single submitter. Criteria: LMM Criteria. Collection method: clinical testing. Allele origin: germline. Observed: 1 variant allele.
Comment: 120+10C>G in Intron 02 of OTOA: This variant is not expected to have clinical si gnificance because it is not located within the conserved splice consensus seque nce and has been identified in 3/7020 European American chromosomes from a broad population by the NHLBI Exome Sequencing Project (EVS).